The following is an entry in ClinVar:

ClinVar aggregate classification (germline): Pathogenic/Likely pathogenic. Review status: criteria provided, multiple submitters, no conflicts (2 of 4 stars). 9 submissions from 9 submitters: Pathogenic (5); Likely pathogenic (4). Last evaluated 2025-08-13.

Conditions:
Retinal dystrophy. Also called: Inherited retinal dystrophy. Identifiers: Orphanet 71862, MedGen C0854723, MeSH D058499, MONDO:0019118, HP:0000556.
OAT-related disorder. Also called: OAT-related condition.
Ornithine aminotransferase deficiency (GACR). Also called: OAT DEFICIENCY; Ornithine ketoacid aminotransferase deficiency; Gyrate atrophy; Gyrate atrophy of choroid and retina; Girate atrophy of the retina; OKT DEFICIENCY. Identifiers: Orphanet 414, MedGen C0018425, MONDO:0009796, OMIM 258870.

Allele frequency attached by ClinVar (database versions not stated): gnomAD exomes below 0.00001; ExAC 0.00001.
gnomAD v4.1: 3 of 1,613,816 alleles (0.00019%); highest among the groups gnomAD compares: Non-Finnish European, 0.00017%; no homozygotes.

Submissions (9):

Myriad Genetics, Inc.
Classification: Pathogenic for Ornithine aminotransferase deficiency. Last evaluated: 2025-08-13. Review status: criteria provided, single submitter. Criteria: Myriad Autosomal Dominant, Autosomal Recessive and X-Linked Classification Criteria (2023). Collection method: clinical testing. Allele origin: unknown.
Comment: NM_000274.3(OAT):c.772-1G>A is a variant in a canonical splice site classified as pathogenic in the context of ornithine aminotransferase deficiency. c.772-1G>A has been observed in cases with relevant disease (PMID: 32531858, 39462066, 39761806). Relevant functional assessments of this variant are not available in the literature. c.772-1G>A has been observed in referenced population frequency databases. In summary, NM_000274.3(OAT):c.772-1G>A is a variant in a canonical splice site that has been observed more frequently in cases with the relevant disease than in healthy populations. Please note: this variant was assessed in the context of healthy population screening.

Institute of Human Genetics, Univ. Regensburg, Univ. Regensburg
Classification: Pathogenic for Retinal dystrophy. Last evaluated: 2023-01-01. Review status: criteria provided, single submitter. Criteria: ACMG Guidelines, 2015. Collection method: clinical testing. Allele origin: germline. Affected: yes.

Revvity Omics, Revvity
Classification: Likely pathogenic for Ornithine aminotransferase deficiency. Last evaluated: 2021-04-01. Review status: criteria provided, single submitter. Criteria: ACMG Guidelines, 2015. Collection method: clinical testing. Allele origin: germline.

Blueprint Genetics
Classification: Likely pathogenic for OAT-related disorders. Last evaluated: 2020-02-20. Review status: criteria provided, single submitter. Criteria: ACMG Guidelines, 2015. Collection method: clinical testing. Allele origin: germline. Affected: yes. Observed: 2 variant alleles.

Molecular Genetics Laboratory, Institute for Ophthalmic Research
Classification: Pathogenic for Gyrate atrophy. Last evaluated: 2020-01-09. Review status: criteria provided, single submitter. Criteria: ACMG Guidelines, 2015. Collection method: research. Allele origin: germline. Affected: yes.

Labcorp Genetics (formerly Invitae), Labcorp
Classification: Likely pathogenic for Ornithine aminotransferase deficiency. Last evaluated: 2019-12-23. Review status: criteria provided, single submitter. Criteria: Invitae Variant Classification Sherloc (09022015). Collection method: clinical testing. Allele origin: germline.
Comment: This sequence change affects an acceptor splice site in intron 6 of the OAT gene. It is expected to disrupt RNA splicing and likely results in an absent or disrupted protein product. In summary, the currently available evidence indicates that the variant is pathogenic, but additional data are needed to prove that conclusively. Therefore, this variant has been classified as Likely Pathogenic. Donor and acceptor splice site variants typically lead to a loss of protein function (PMID: 16199547), and loss-of-function variants in OAT are known to be pathogenic (PMID: 1737786, 23076989). Algorithms developed to predict the effect of sequence changes on RNA splicing suggest that this variant may disrupt the consensus splice site, but this prediction has not been confirmed by published transcriptional studies. This variant has not been reported in the literature in individuals with OAT-related conditions. ClinVar contains an entry for this variant (Variation ID: 444240). This variant is present in population databases (rs770390524, ExAC no frequency).

Institute of Human Genetics Munich, TUM University Hospital
Classification: Pathogenic for Ornithine aminotransferase deficiency. Last evaluated: 2019-06-07. Review status: criteria provided, single submitter. Criteria: Classification criteria August 2017. Collection method: clinical testing. Allele origin: inherited. Inheritance: Autosomal recessive inheritance. Affected: yes. Observed: 2 homozygotes.

CeGaT Center for Human Genetics Tuebingen
Classification: Likely pathogenic. Last evaluated: 2018-07-01. Review status: criteria provided, single submitter. Criteria: CeGaT Center For Human Genetics Tuebingen Variant Classification Criteria Version 2. Collection method: clinical testing. Allele origin: germline. Affected: yes. Observed: 3 variant alleles.

Kariminejad - Najmabadi Pathology & Genetics Center
Classification: Pathogenic for Ornithine aminotransferase deficiency. Review status: criteria provided, single submitter. Criteria: ACMG Guidelines, 2015. Collection method: clinical testing. Allele origin: germline. Affected: no.

Literature cited by the submitters: PubMed 32531858 (cited by Myriad Genetics, Inc. and Institute of Human Genetics, Univ. Regensburg, Univ. Regensburg); PubMed 39462066 (cited by Myriad Genetics, Inc.); PubMed 39761806 (cited by Myriad Genetics, Inc.); PubMed 3196484 (cited by Institute of Human Genetics, Univ. Regensburg, Univ. Regensburg); PubMed 16199547 (cited by Labcorp Genetics (formerly Invitae), Labcorp); PubMed 1737786 (cited by Labcorp Genetics (formerly Invitae), Labcorp); PubMed 23076989 (cited by Labcorp Genetics (formerly Invitae), Labcorp).

NM_000274.4(OAT):c.772-1G>A

Gene: OAT (ornithine aminotransferase; minus strand). Cytogenetic location: 10q26.13.
Variant type: single nucleotide variant.
Coding change: c.772-1G>A on transcript NM_000274.4 (MANE Select); the canonical splice acceptor site of the intron before coding-DNA position 772, G replaced by A.
Molecular consequence: splice acceptor variant.
Genome position (GRCh38, 1-based): chr10:124,403,056, C>T on the plus strand (G>A on the coding strand, the complement: OAT is on the minus strand). VCF-style: chr10-124403056-C-T. GRCh37 (hg19) VCF-style: chr10-126091625-C-T.
Other names: c.772-1G>A (NM_001322965.2, NM_001322969.2, NM_001322966.2 and 3 more transcripts); c.358-1G>A (NM_001171814.2); c.172-1G>A (NM_001322974.2); c.451-1G>A (NM_001322971.2).
Identifiers: ClinVar variation 444240 (VCV000444240.63), dbSNP rs770390524, ClinGen allele CA5733417.